The following is an entry in ClinVar:

NC_000010.10:g.(?_13341948)_(13342042_?)del

Gene: PHYH (phytanoyl-CoA 2-hydroxylase; minus strand). Cytogenetic location: 10p13.
Variant type: Deletion.
Identifiers: ClinVar variation 3244976 (VCV003244976.1).

ClinVar aggregate classification (germline): Pathogenic (1 of 4 stars; one submission).

Submission:

Labcorp Genetics (formerly Invitae), Labcorp
Classification: Pathogenic. Last evaluated: 2023-08-29. Review status: criteria provided, single submitter. Criteria: Invitae Variant Classification Sherloc (09022015). Collection method: clinical testing. Allele origin: unknown.
Comment: This variant is a gross deletion of the genomic region encompassing exon(s) 1 of the PHYH gene, which includes the initiator codon. This deletion extends beyond the assayed region for this gene and therefore may encompass additional genes. It is expected to result in an absent or disrupted protein product. Loss-of-function variants in PHYH are known to be pathogenic (PMID: 9326940, 14974078). This variant has not been reported in the literature in individuals affected with PHYH-related conditions. For these reasons, this variant has been classified as Pathogenic.

Literature cited by the submitters: PubMed 9326940; PubMed 14974078.